The following is an entry in ClinVar:

ClinVar aggregate classification (germline): Benign (1 of 4 stars; one submission).

Allele frequency attached by ClinVar (database versions not stated): 1000 Genomes Project 0.67931; 1000 Genomes Project 30x 0.68067; ExAC 0.69388; TOPMed 0.69797; gnomAD 0.70397; ESP Exome Variant Server 0.70775; gnomAD exomes 0.71647.
gnomAD v4.1: 1,153,511 of 1,613,816 alleles (71%); highest among the groups gnomAD compares: Non-Finnish European, 73%; 413,964 homozygotes.

Submission:

Unidad de Genómica Garrahan, Hospital de Pediatría Garrahan
Classification: Benign. Last evaluated: 2024-01-24. Review status: criteria provided, single submitter. Criteria: ACMG Guidelines, 2015. Collection method: clinical testing. Allele origin: germline. Affected: no. Observed: 77 variant alleles.
Comment: This variant is classified as Benign based on local population frequency. This variant was detected in 88% of patients studied by a panel of primary immunodeficiencies. Number of patients: 77. Only high quality variants are reported.

NM_001040458.3(ERAP1):c.2188C>G (p.Gln730Glu)

Gene: ERAP1 (endoplasmic reticulum aminopeptidase 1; minus strand). Cytogenetic location: 5q15.
Variant type: single nucleotide variant.
Coding change: c.2188C>G on transcript NM_001040458.3 (MANE Select); coding-DNA position 2188, C replaced by G.
Protein change: p.Gln730Glu; replaces glutamine 730 with glutamic acid.
Molecular consequence: missense variant.
Genome position (GRCh38, 1-based): chr5:96,783,148, G>C on the plus strand (C>G on the coding strand, the complement: ERAP1 is on the minus strand). VCF-style: chr5-96783148-G-C. GRCh37 (hg19) VCF-style: chr5-96118852-G-C.
Other names: c.2188C>G, p.Gln730Glu (NM_001198541.3, NM_001349244.2, NM_016442.5); short protein forms Q730E.
Identifiers: ClinVar variation 2688532 (VCV002688532.2), dbSNP rs27044, ClinGen allele CA3352010.